The following is an entry in ClinVar:

ClinVar aggregate classification (germline): Likely benign. Review status: criteria provided, multiple submitters, no conflicts (2 of 4 stars). 3 submissions from 3 submitters: Likely benign (3). Last evaluated 2025-02-01.

Conditions:
Dyskeratosis congenita, autosomal dominant 2. Identifiers: MedGen C3151443, MONDO:0013521, OMIM 613989.
Idiopathic Pulmonary Fibrosis. Also called: Idiopathic fibrosing alveolitis, chronic form; idiopathic fibrosing alveolitis. Identifiers: Orphanet 2032, MedGen C1800706, MeSH D054990, MONDO:0800504.
Dyskeratosis congenita. Identifiers: Orphanet 1775, MedGen C0265965, MONDO:0015780.

Allele frequency attached by ClinVar (database versions not stated): gnomAD below 0.00001 and 0.00001.
gnomAD v4.1: 4 of 1,614,062 alleles (0.00025%); highest among the groups gnomAD compares: South Asian, 0.0033%; no homozygotes.

Submissions (3):

CeGaT Center for Human Genetics Tuebingen
Classification: Likely benign. Last evaluated: 2025-02-01. Review status: criteria provided, single submitter. Criteria: CeGaT Center For Human Genetics Tuebingen Variant Classification Criteria Version 2. Collection method: clinical testing. Allele origin: germline. Affected: yes. Observed: 1 variant allele.
Comment: TERT: BP4, BP7

Labcorp Genetics (formerly Invitae), Labcorp
Classification: Likely benign for Dyskeratosis congenita, autosomal dominant 2; Idiopathic Pulmonary Fibrosis. Last evaluated: 2024-10-02. Review status: criteria provided, single submitter. Criteria: Invitae Variant Classification Sherloc (09022015). Collection method: clinical testing. Allele origin: germline.

Ambry Genetics
Classification: Likely benign for Dyskeratosis congenita. Last evaluated: 2022-09-13. Review status: criteria provided, single submitter. Criteria: Ambry Variant Classification Scheme 2023. Collection method: clinical testing. Allele origin: germline.

NM_198253.3(TERT):c.1731G>A (p.Arg577=)

Gene: TERT (telomerase reverse transcriptase; minus strand). Cytogenetic location: 5p15.33.
Variant type: single nucleotide variant.
Coding change: c.1731G>A on transcript NM_198253.3 (MANE Select); coding-DNA position 1731, G replaced by A.
Protein change: p.Arg577=; no amino-acid change (arginine 577 retained).
Molecular consequence: synonymous variant. On other transcripts: non-coding transcript variant (2).
Genome position (GRCh38, 1-based): chr5:1,282,467, C>T on the plus strand (G>A on the coding strand, the complement: TERT is on the minus strand). VCF-style: chr5-1282467-C-T. GRCh37 (hg19) VCF-style: chr5-1282582-C-T.
Other names: c.1731G>A, p.Arg577= (NM_001193376.3).
Identifiers: ClinVar variation 751150 (VCV000751150.25), dbSNP rs143585580, ClinGen allele CA443025924.